The following is an entry in ClinVar:

ClinVar aggregate classification (germline): Conflicting classifications of pathogenicity. Review status: criteria provided, conflicting classifications (1 of 4 stars). 3 submissions from 3 submitters: Uncertain significance (2); Likely benign (1). Last evaluated 2025-05-18.

Conditions:
Cardiovascular phenotype. Identifiers: MedGen CN230736.
Hypercholesterolemia, autosomal dominant, type B (FHCL2). Also called: APOB-Related Familial Hypercholesterolemia, Autosomal Dominant; Familial Hypercholesterolemia Type B; APOLIPOPROTEIN B-100, FAMILIAL DEFECTIVE; APOLIPOPROTEIN B-100, FAMILIAL LIGAND-DEFECTIVE; Hyperlipoproteinemia Type IIb; Familial hypercholesterolemia 2. Identifiers: MedGen C1704417, MONDO:0007751, OMIM 144010.
Familial hypobetalipoproteinemia 1. Also called: APOB-Related Familial Hypobetalipoproteinemia; Hypobetalipoproteinemia, normotriglyceridemic; Acanthocytosis with hypobetalipoproteinemia. Identifiers: MedGen C4551990, MONDO:0014252, OMIM 615558.

Allele frequency attached by ClinVar (database versions not stated): TOPMed 0.00001.
gnomAD v4.1: 5 of 1,614,112 alleles (0.00031%); highest among the groups gnomAD compares: Admixed American, 0.0017%; no homozygotes.

Submissions (3):

Labcorp Genetics (formerly Invitae), Labcorp
Classification: Likely benign for Familial hypobetalipoproteinemia 1; Hypercholesterolemia, autosomal dominant, type B. Last evaluated: 2025-05-18. Review status: criteria provided, single submitter. Criteria: Invitae Variant Classification Sherloc (09022015). Collection method: clinical testing. Allele origin: germline.

Ambry Genetics
Classification: Uncertain significance for Cardiovascular phenotype. Last evaluated: 2025-02-01. Review status: criteria provided, single submitter. Criteria: Ambry Variant Classification Scheme 2023. Collection method: clinical testing. Allele origin: germline.
Comment: The p.W1237G variant (also known as c.3709T>G), located in coding exon 24 of the APOB gene, results from a T to G substitution at nucleotide position 3709. The tryptophan at codon 1237 is replaced by glycine, an amino acid with highly dissimilar properties. This amino acid position is conserved. In addition, the in silico prediction for this alteration is inconclusive. Based on the available evidence, the clinical significance of this variant remains unclear.

GeneDx
Classification: Uncertain significance. Last evaluated: 2017-06-05. Review status: criteria provided, single submitter. Criteria: GeneDx Variant Classification (06012015). Collection method: clinical testing. Allele origin: germline. Affected: yes.
Comment: The W1237G variant in the APOB gene has not been reported previously as a pathogenic variant, nor as a benign variant, to our knowledge. The W1237G variant is not observed in large population cohorts (Lek et al., 2016; 1000 Genomes Consortium et al., 2015; Exome Variant Server). The W1237G variant is a semi-conservative amino acid substitution, which may impact secondary protein structure as these residues differ in some properties. Additionally, this substitution occurs at a position that is conserved across species, and in silico analysis predicts this variant is probably damaging to the protein structure/function. We interpret W1237G as a variant of uncertain significance.

NM_000384.3(APOB):c.3709T>G (p.Trp1237Gly)

Gene: APOB (apolipoprotein B; minus strand). Cytogenetic location: 2p24.1.
Variant type: single nucleotide variant.
Coding change: c.3709T>G on transcript NM_000384.3 (MANE Select); coding-DNA position 3709, T replaced by G.
Protein change: p.Trp1237Gly; replaces tryptophan 1237 with glycine.
Molecular consequence: missense variant.
Genome position (GRCh38, 1-based): chr2:21,014,581, A>C on the plus strand (T>G on the coding strand, the complement: APOB is on the minus strand). VCF-style: chr2-21014581-A-C. GRCh37 (hg19) VCF-style: chr2-21237453-A-C.
Other names: short protein forms W1237G.
Identifiers: ClinVar variation 432464 (VCV000432464.4), dbSNP rs935161396, ClinGen allele CA346008463.